The following is an entry in ClinVar:

ClinVar aggregate classification (germline): Uncertain significance (1 of 4 stars; one submission).

Conditions:
TWIST1-related craniosynostosis (CRS1). Also called: CRANIOSYNOSTOSIS 1. Identifiers: Orphanet 63440, MedGen C4551902, MONDO:0007399, OMIM 123100. Inheritance: Heterogenous inheritance pattern.
Saethre-Chotzen syndrome (SCS). Also called: ACROCEPHALY, SKULL ASYMMETRY, AND MILD SYNDACTYLY; ACS III; CHOTZEN SYNDROME. Identifiers: Orphanet 794, MedGen C0175699, MONDO:0007042, OMIM 101400.

Submission:

Labcorp Genetics (formerly Invitae), Labcorp
Classification: Uncertain significance for TWIST1-related craniosynostosis; Saethre-Chotzen syndrome. Last evaluated: 2022-01-13. Review status: criteria provided, single submitter. Criteria: Invitae Variant Classification Sherloc (09022015). Collection method: clinical testing. Allele origin: germline.
Comment: Experimental studies and prediction algorithms are not available or were not evaluated, and the functional significance of this variant is currently unknown. In summary, the available evidence is currently insufficient to determine the role of this variant in disease. Therefore, it has been classified as a Variant of Uncertain Significance. This variant has not been reported in the literature in individuals affected with TWIST1-related conditions. This variant is not present in population databases (gnomAD no frequency). This variant, c.274_276dup, results in the insertion of 1 amino acid(s) of the TWIST1 protein (p.Gly92dup), but otherwise preserves the integrity of the reading frame.

NM_000474.4(TWIST1):c.262GGC[6] (p.Gly92dup)

Gene: TWIST1 (twist family bHLH transcription factor 1; minus strand). Cytogenetic location: 7p21.1.
Variant type: Microsatellite.
Coding change: c.262GGC[6] on transcript NM_000474.4 (MANE Select); six copies in a row of the 3-base unit GGC starting at c.262; the reference has five copies in a row; one copy, 3 bases duplicated.
Protein change: p.Gly92dup; duplicates glycine 92.
Molecular consequence: inframe insertion. On other transcripts: non-coding transcript variant (1).
Genome position (GRCh38, 1-based): chr7:19,117,046-19,117,048, GCC duplicated on the plus strand (GGC on the coding strand, the reverse complement: TWIST1 is on the minus strand); duplicating any 3 consecutive bases within chr7:19,117,046-19,117,060 gives the same sequence; the position shown is the placement nearest the transcript's 3' end. VCF-style (leftmost placement, unchanged base first): chr7-19117045-T-TGCC. GRCh37 (hg19) VCF-style: chr7-19156668-T-TGCC.
Identifiers: ClinVar variation 1471286 (VCV001471286.8), dbSNP rs750238627, ClinGen allele CA155466604.